The following is an entry in ClinVar:

ClinVar aggregate classification (germline): Uncertain significance (1 of 4 stars; one submission).

Conditions:
SEMA3F-related disorder. Also called: SEMA3F-related condition.

gnomAD v4.1: 12 of 1,608,968 alleles (0.00075%); highest among the groups gnomAD compares: African/African-American, 0.0067%; no homozygotes.

Submission:

PreventionGenetics, part of Exact Sciences
Classification: Uncertain significance for SEMA3F-related condition. Last evaluated: 2024-10-13. Review status: criteria provided, single submitter. Criteria: ACMG Guidelines, 2015. Collection method: clinical testing. Allele origin: germline.
Comment: The SEMA3F c.1861G>A variant is predicted to result in the amino acid substitution p.Ala621Thr. To our knowledge, this variant has not been reported in the literature or in a large population database (gnomAD), indicating this variant is rare. At this time, the clinical significance of this variant is uncertain due to the absence of conclusive functional and genetic evidence.

NM_004186.5(SEMA3F):c.1861G>A (p.Ala621Thr)

Gene: SEMA3F (semaphorin 3F; plus strand). Cytogenetic location: 3p21.31.
Variant type: single nucleotide variant.
Coding change: c.1861G>A on transcript NM_004186.5 (MANE Select); coding-DNA position 1861, G replaced by A.
Protein change: p.Ala621Thr; replaces alanine 621 with threonine.
Molecular consequence: missense variant.
Genome position (GRCh38, 1-based): chr3:50,186,660, G>A. VCF-style: chr3-50186660-G-A. GRCh37 (hg19) VCF-style: chr3-50224093-G-A.
Other names: c.1564G>A, p.Ala522Thr (NM_001318798.2); c.1768G>A, p.Ala590Thr (NM_001318800.2); short protein forms A590T, A621T, A522T.
Identifiers: ClinVar variation 5002294 (VCV005002294.1).